The following is an entry in ClinVar:

ClinVar aggregate classification (germline): Benign. Review status: criteria provided, multiple submitters, no conflicts (2 of 4 stars). 4 submissions from 4 submitters: Benign (4). Last evaluated 2023-12-04.

Conditions:
Age related macular degeneration 1 (ARMD1). Also called: MACULOPATHY, AGE-RELATED, 1. Identifiers: MedGen C1864205, MONDO:0011285, OMIM 603075.
Hemolytic uremic syndrome, atypical, susceptibility to, 1. Also called: AHUS, SUSCEPTIBILITY TO, 1. Identifiers: Orphanet 2134, Orphanet 90038, MedGen C2749604, MONDO:0009335, OMIM 235400. Disease mechanism: Other.

Allele frequency attached by ClinVar (database versions not stated): 1000 Genomes Project 30x 0.01437; ExAC 0.00381; gnomAD 0.01005 and 0.00949; gnomAD exomes 0.00097 and 0.00281; 1000 Genomes Project 0.01198; ESP Exome Variant Server 0.01648.
gnomAD v4.1: 2,373 of 1,374,630 alleles (0.17%); highest among the groups gnomAD compares: African/African-American, 5%; 751 homozygotes.

Submissions (4):

Mayo Clinic Laboratories, Mayo Clinic
Classification: Benign. Last evaluated: 2023-12-04. Review status: criteria provided, single submitter. Criteria: ACMG Guidelines, 2015. Collection method: clinical testing. Allele origin: germline. Observed: 80 variant alleles.
Comment: BS1, BS2, BP4

Fulgent Genetics
Classification: Benign for Hemolytic uremic syndrome, atypical, susceptibility to, 1; Age related macular degeneration 1. Last evaluated: 2021-10-27. Review status: criteria provided, single submitter. Criteria: ACMG Guidelines, 2015. Collection method: clinical testing. Allele origin: unknown.

Labcorp Genetics (formerly Invitae), Labcorp
Classification: Benign. Last evaluated: 2019-12-31. Review status: criteria provided, single submitter. Criteria: Invitae Variant Classification Sherloc (09022015). Collection method: clinical testing. Allele origin: germline.

Breakthrough Genomics
Classification: Benign. Review status: criteria provided, single submitter. Criteria: ACMG Guidelines, 2015. Collection method: not provided. Allele origin: germline. Inheritance: Autosomal recessive inheritance. Affected: yes.

NM_021023.6(CFHR3):c.720G>C (p.Gln240His)

Gene: CFHR3 (complement factor H related 3; plus strand). Cytogenetic location: 1q31.3.
Variant type: single nucleotide variant.
Coding change: c.720G>C on transcript NM_021023.6 (MANE Select); coding-DNA position 720, G replaced by C.
Protein change: p.Gln240His; replaces glutamine 240 with histidine.
Molecular consequence: missense variant.
Genome position (GRCh38, 1-based): chr1:196,790,151, G>C. VCF-style: chr1-196790151-G-C. GRCh37 (hg19) VCF-style: chr1-196759281-G-C.
Other names: p.Gln240His; c.537G>C, p.Gln179His (NM_001166624.2); short protein forms Q179H, Q240H.
Identifiers: ClinVar variation 730392 (VCV000730392.7), dbSNP rs149347641, ClinGen allele CA1306257.